The following is an entry in ClinVar:

ClinVar aggregate classification (germline): Uncertain significance (1 of 4 stars; one submission).

Allele frequency attached by ClinVar (database versions not stated): gnomAD exomes below 0.00001; gnomAD 0.00001; ExAC 0.00002; TOPMed 0.00002.
gnomAD v4.1: 4 of 1,614,064 alleles (0.00025%); highest among the groups gnomAD compares: East Asian, 0.0045%; no homozygotes.

Submission:

Ambry Genetics
Classification: Uncertain significance. Last evaluated: 2024-03-17. Review status: criteria provided, single submitter. Criteria: Ambry Variant Classification Scheme 2023. Collection method: clinical testing. Allele origin: germline.
Comment: The p.Y449F variant (also known as c.1346A>T), located in coding exon 3 of the ALPK2 gene, results from an A to T substitution at nucleotide position 1346. The tyrosine at codon 449 is replaced by phenylalanine, an amino acid with highly similar properties. This amino acid position is conserved. In addition, this alteration is predicted to be tolerated by in silico analysis. Since supporting evidence is limited at this time, the clinical significance of this alteration remains unclear.

NM_052947.4(ALPK2):c.1346A>T (p.Tyr449Phe)

Gene: ALPK2 (alpha kinase 2; minus strand). Cytogenetic location: 18q21.31.
Variant type: single nucleotide variant.
Coding change: c.1346A>T on transcript NM_052947.4 (MANE Select); coding-DNA position 1346, A replaced by T.
Protein change: p.Tyr449Phe; replaces tyrosine 449 with phenylalanine.
Molecular consequence: missense variant.
Genome position (GRCh38, 1-based): chr18:58,579,430, T>A on the plus strand (A>T on the coding strand, the complement: ALPK2 is on the minus strand). VCF-style: chr18-58579430-T-A. GRCh37 (hg19) VCF-style: chr18-56246662-T-A.
Other names: short protein forms Y449F.
Identifiers: ClinVar variation 1770475 (VCV001770475.3), dbSNP rs777669750, ClinGen allele CA8977275.